The following is an entry in ClinVar:

NM_000088.4(COL1A1):c.3156del (p.Ala1053fs)

Gene: COL1A1 (collagen type I alpha 1 chain; minus strand). Cytogenetic location: 17q21.33.
Variant type: Deletion.
Coding change: c.3156del on transcript NM_000088.4 (MANE Select); coding-DNA position 3156, one base deleted (T; older notation c.3156delT).
Protein change: p.Ala1053fs; shifts the reading frame from alanine 1053.
Molecular consequence: frameshift variant.
Genome position (GRCh38, 1-based): chr17:50,188,581, A deleted on the plus strand (T on the coding strand, the reverse complement: COL1A1 is on the minus strand). VCF-style (leftmost placement, unchanged base first): chr17-50188580-CA-C. GRCh37 (hg19) VCF-style: chr17-48265941-CA-C.
Other names: short protein forms A1053fs.
Identifiers: ClinVar variation 1997419 (VCV001997419.4), dbSNP rs2509177384, ClinGen allele CA2580094228.

ClinVar aggregate classification (germline): Pathogenic (1 of 4 stars; one submission).

Conditions:
Osteogenesis imperfecta type I (OI1). Also called: Lobstein disease; Lobstein's Disease; OI, TYPE I; OSTEOGENESIS IMPERFECTA TARDA; OSTEOGENESIS IMPERFECTA WITH BLUE SCLERAE; Osteogenesis imperfecta type 1. Identifiers: Orphanet 216796, Orphanet 666, MedGen C0023931, MONDO:0008146, OMIM 166200. Disease mechanism: loss of function.

Submission:

Labcorp Genetics (formerly Invitae), Labcorp
Classification: Pathogenic for Osteogenesis imperfecta type I. Last evaluated: 2023-08-17. Review status: criteria provided, single submitter. Criteria: Invitae Variant Classification Sherloc (09022015). Collection method: clinical testing. Allele origin: germline.
Comment: For these reasons, this variant has been classified as Pathogenic. ClinVar contains an entry for this variant (Variation ID: 1997419). This variant has not been reported in the literature in individuals affected with COL1A1-related conditions. This variant is not present in population databases (gnomAD no frequency). This sequence change creates a premature translational stop signal (p.Ala1053Profs*55) in the COL1A1 gene. It is expected to result in an absent or disrupted protein product. Loss-of-function variants in COL1A1 are known to be pathogenic (PMID: 7942841, 9295084, 9443882).

Literature cited by the submitters: PubMed 7942841; PubMed 9295084; PubMed 9443882.